The following is an entry in ClinVar:

ClinVar aggregate classification (germline): Uncertain significance (1 of 4 stars; one submission).

Conditions:
GNE myopathy (NM). Also called: INCLUSION BODY MYOPATHY 2, AUTOSOMAL RECESSIVE; MYOPATHY, DISTAL, WITH OR WITHOUT RIMMED VACUOLES; IBM 2; Inclusion body myopathy autosomal recessive; Inclusion body myopathy quadriceps sparing; INCLUSION BODY MYOPATHY, HEREDITARY, AUTOSOMAL RECESSIVE. Identifiers: Orphanet 602, MedGen C1853926, MONDO:0011603, OMIM 605820.
Sialuria. Also called: SIALURIA, FRENCH TYPE; Sialic Acid Storage Disease. Identifiers: Orphanet 3166, MedGen C0342853, MONDO:0010028, OMIM 269921.

Allele frequency attached by ClinVar (database versions not stated): TOPMed below 0.00001; gnomAD 0.00001.

Submission:

Labcorp Genetics (formerly Invitae), Labcorp
Classification: Uncertain significance for Sialuria; GNE myopathy. Last evaluated: 2022-01-04. Review status: criteria provided, single submitter. Criteria: Invitae Variant Classification Sherloc (09022015). Collection method: clinical testing. Allele origin: germline.
Comment: This sequence change replaces arginine, which is basic and polar, with histidine, which is basic and polar, at codon 233 of the GNE protein (p.Arg233His). This variant is present in population databases (no rsID available, gnomAD 0.007%). This variant has not been reported in the literature in individuals affected with GNE-related conditions. Algorithms developed to predict the effect of missense changes on protein structure and function are either unavailable or do not agree on the potential impact of this missense change (SIFT: "Deleterious"; PolyPhen-2: "Benign"; Align-GVGD: "Class C0"). In summary, the available evidence is currently insufficient to determine the role of this variant in disease. Therefore, it has been classified as a Variant of Uncertain Significance.

NM_005476.7(GNE):c.605G>A (p.Arg202His)

Gene: GNE (glucosamine (UDP-N-acetyl)-2-epimerase/N-acetylmannosamine kinase; minus strand). Cytogenetic location: 9p13.3.
Variant type: single nucleotide variant.
Coding change: c.605G>A on transcript NM_005476.7 (MANE Select); coding-DNA position 605, G replaced by A.
Protein change: p.Arg202His; replaces arginine 202 with histidine.
Molecular consequence: missense variant.
Genome position (GRCh38, 1-based): chr9:36,246,042, C>T on the plus strand (G>A on the coding strand, the complement: GNE is on the minus strand). VCF-style: chr9-36246042-C-T. GRCh37 (hg19) VCF-style: chr9-36246039-C-T.
Other names: c.698G>A, p.Arg233His (NM_001128227.3); c.605G>A, p.Arg202His (NM_001190383.3, NM_001374797.1); c.428G>A, p.Arg143His (NM_001190384.3, NM_001190388.2, NM_001374798.1); short protein forms R143H, R202H, R233H.
Identifiers: ClinVar variation 2192267 (VCV002192267.1), dbSNP rs752650334, ClinGen allele CA373417981.
Genomic context (GRCh38, chr9:36,246,042, plus strand): 5'-TTTTCTGACAAAAACAGCCATTAGACTGACTAAAGTCTGAGATACGTACCTAGCCACATG[C>T]GAATGATGCTCATGTAGTCTTTGTTCTTGGCTGAGAGAAGTTTGTCATAGGAAGGGCAGC-3'
Protein context (NP_005467.1, residues 192-212): AKNKDYMSII[Arg202His]MWLGDDVKSK